The following is an entry in ClinVar:

NM_001231.5(CASQ1):c.341A>G (p.Asp114Gly)

Gene: CASQ1 (calsequestrin 1; plus strand). Cytogenetic location: 1q23.2.
Variant type: single nucleotide variant.
Coding change: c.341A>G on transcript NM_001231.5 (MANE Select); coding-DNA position 341, A replaced by G.
Protein change: p.Asp114Gly; replaces aspartic acid 114 with glycine.
Molecular consequence: missense variant.
Genome position (GRCh38, 1-based): chr1:160,192,863, A>G. VCF-style: chr1-160192863-A-G. GRCh37 (hg19) VCF-style: chr1-160162653-A-G.
Other names: short protein forms D114G.
Identifiers: ClinVar variation 426285 (VCV000426285.2), dbSNP rs1085307539, ClinGen allele CA343253216.

ClinVar aggregate classification (germline): Uncertain significance (1 of 4 stars; one submission).

Allele frequency attached by ClinVar (database versions not stated): TOPMed below 0.00001 and 0.00001; gnomAD 0.00001.

Submission:

GeneDx
Classification: Uncertain significance. Last evaluated: 2017-04-21. Review status: criteria provided, single submitter. Criteria: GeneDx Variant Classification (06012015). Collection method: clinical testing. Allele origin: germline. Affected: yes.
Comment: The D114G variant in the CASQ1 gene has not been reported previously as a pathogenic variant, nor as a benign variant, to our knowledge. The D114G variant is not observed in large population cohorts (Lek et al., 2016; 1000 Genomes Consortium et al., 2015; Exome Variant Server). The D114G variant is a non-conservative amino acid substitution, which is likely to impact secondary protein structure as these residues differ in polarity, charge, size and/or other properties. This substitution occurs at a position that is conserved across species, and in silico analysis predicts this variant is probably damaging to the protein structure/function. We interpret D114G as a variant of uncertain significance.